The following is an entry in ClinVar:

NM_002755.4(MAP2K1):c.424T>C (p.Cys142Arg)

Gene: MAP2K1 (mitogen-activated protein kinase kinase 1; plus strand). Cytogenetic location: 15q22.31.
Variant type: single nucleotide variant.
Coding change: c.424T>C on transcript NM_002755.4 (MANE Select); coding-DNA position 424, T replaced by C.
Protein change: p.Cys142Arg; replaces cysteine 142 with arginine.
Molecular consequence: missense variant.
Genome position (GRCh38, 1-based): chr15:66,436,878, T>C. VCF-style: chr15-66436878-T-C. GRCh37 (hg19) VCF-style: chr15-66729216-T-C.
Other names: c.358T>C, p.Cys120Arg (NM_001411065.1); short protein forms C120R, C142R.
Identifiers: ClinVar variation 3338730 (VCV003338730.1).

ClinVar aggregate classification (germline): Uncertain significance (1 of 4 stars; one submission).

Submission:

GeneDx
Classification: Uncertain significance. Last evaluated: 2023-12-27. Review status: criteria provided, single submitter. Criteria: GeneDx Variant Classification Process June 2021. Collection method: clinical testing. Allele origin: germline. Affected: yes.
Comment: Not observed at significant frequency in large population cohorts (gnomAD); Missense variants in this gene are a common cause of disease and they are underrepresented in the general population; In silico analysis supports that this missense variant has a deleterious effect on protein structure/function; Has not been previously published as pathogenic or benign to our knowledge